The following is an entry in ClinVar:

ClinVar aggregate classification (germline): Pathogenic/Likely pathogenic. Review status: criteria provided, multiple submitters, no conflicts (2 of 4 stars). 2 submissions from 2 submitters: Pathogenic (1); Likely pathogenic (1). Last evaluated 2025-10-20.

Conditions:
FZD4-related disorder. Also called: FZD4-related condition.

Submissions (2):

Labcorp Genetics (formerly Invitae), Labcorp
Classification: Pathogenic. Last evaluated: 2025-10-20. Review status: criteria provided, single submitter. Criteria: Invitae Variant Classification Sherloc (09022015). Collection method: clinical testing. Allele origin: germline.
Comment: This sequence change replaces methionine, which is neutral and non-polar, with arginine, which is basic and polar, at codon 105 of the FZD4 protein (p.Met105Arg). This variant is not present in population databases (gnomAD no frequency). This missense change has been observed in individuals with autosomal dominant exudative vitreoretinopathy (PMID: 32420371; internal data). It has also been observed to segregate with disease in related individuals. ClinVar contains an entry for this variant (Variation ID: 3613683). Invitae Evidence Modeling of protein sequence and biophysical properties (such as structural, functional, and spatial information, amino acid conservation, physicochemical variation, residue mobility, and thermodynamic stability) indicates that this missense variant is not expected to disrupt FZD4 protein function with a negative predictive value of 80%. Experimental studies have shown that this missense change affects FZD4 function (PMID: 32420371). Algorithms developed to predict the effect of sequence changes on RNA splicing suggest that this variant may disrupt the consensus splice site. This variant disrupts the p.Met105 amino acid residue in FZD4. Other variant(s) that disrupt this residue have been determined to be pathogenic (PMID: 14507768, 17955262, 24744206, 30452590, 31294129). This suggests that this residue is clinically significant, and that variants that disrupt this residue are likely to be disease-causing. For these reasons, this variant has been classified as Pathogenic.

Blueprint Genetics
Classification: Likely pathogenic for FZD4-related disorders. Last evaluated: 2020-02-12. Review status: criteria provided, single submitter. Criteria: ACMG Guidelines, 2015. Collection method: clinical testing. Allele origin: germline. Affected: yes. Observed: 3 variant alleles.

Literature cited by the submitters: PubMed 32420371 (cited by Labcorp Genetics (formerly Invitae), Labcorp); PubMed 14507768 (cited by Labcorp Genetics (formerly Invitae), Labcorp); PubMed 17955262 (cited by Labcorp Genetics (formerly Invitae), Labcorp); PubMed 24744206 (cited by Labcorp Genetics (formerly Invitae), Labcorp); PubMed 30452590 (cited by Labcorp Genetics (formerly Invitae), Labcorp); PubMed 31294129 (cited by Labcorp Genetics (formerly Invitae), Labcorp).

NM_012193.4(FZD4):c.314T>G (p.Met105Arg)

Genes: FZD4 (frizzled class receptor 4; minus strand), PRSS23 (serine protease 23; plus strand). Cytogenetic location: 11q14.2.
Variant type: single nucleotide variant.
Coding change: c.314T>G on transcript NM_012193.4 (MANE Select); coding-DNA position 314, T replaced by G.
Protein change: p.Met105Arg; replaces methionine 105 with arginine.
Molecular consequence: missense variant. On other transcripts: non-coding transcript variant (2).
Genome position (GRCh38, 1-based): chr11:86,952,442, A>C on the plus strand (T>G on the coding strand, the complement: FZD4 is on the minus strand). VCF-style: chr11-86952442-A-C. GRCh37 (hg19) VCF-style: chr11-86663484-A-C.
Other names: short protein forms M105R.
Identifiers: ClinVar variation 3613683 (VCV003613683.3).